The following is an entry in ClinVar:

ClinVar aggregate classification (germline): Uncertain significance. Review status: criteria provided, multiple submitters, no conflicts (2 of 4 stars). 3 submissions from 3 submitters: Uncertain significance (3). Last evaluated 2026-04-17.

Conditions:
SNAI2-related disorder. Also called: SNAI2-related condition.

Allele frequency attached by ClinVar (database versions not stated): gnomAD exomes below 0.00001 and 0.00002; gnomAD 0.00001; TOPMed 0.00005.

Submissions (3):

PreventionGenetics, part of Exact Sciences
Classification: Uncertain significance for SNAI2-related condition. Last evaluated: 2026-04-17. Review status: criteria provided, single submitter. Criteria: ACMG Guidelines, 2015. Collection method: clinical testing. Allele origin: germline.
Comment: The SNAI2 c.349C>T variant is predicted to result in the amino acid substitution p.Leu117Phe. To our knowledge, this variant has not been reported in the literature. This variant is reported in 0.0058% of alleles in individuals of Latino descent in gnomAD. At this time, the clinical significance of this variant is uncertain due to the absence of conclusive functional and genetic evidence.

Labcorp Genetics (formerly Invitae), Labcorp
Classification: Uncertain significance. Last evaluated: 2026-01-05. Review status: criteria provided, single submitter. Criteria: Invitae Variant Classification Sherloc (09022015). Collection method: clinical testing. Allele origin: germline.
Comment: This sequence change replaces leucine, which is neutral and non-polar, with phenylalanine, which is neutral and non-polar, at codon 117 of the SNAI2 protein (p.Leu117Phe). This variant is present in population databases (no rsID available, gnomAD 0.003%). This variant has not been reported in the literature in individuals affected with SNAI2-related conditions. ClinVar contains an entry for this variant (Variation ID: 1499688). An algorithm developed to predict the effect of missense changes on protein structure and function (PolyPhen-2) suggests that this variant is likely to be disruptive. In summary, the available evidence is currently insufficient to determine the role of this variant in disease. Therefore, it has been classified as a Variant of Uncertain Significance.

Ambry Genetics
Classification: Uncertain significance. Last evaluated: 2024-06-17. Review status: criteria provided, single submitter. Criteria: Ambry Variant Classification Scheme 2023. Collection method: clinical testing. Allele origin: germline.

NM_003068.5(SNAI2):c.349C>T (p.Leu117Phe)

Gene: SNAI2 (snail family transcriptional repressor 2; minus strand). Cytogenetic location: 8q11.21.
Variant type: single nucleotide variant.
Coding change: c.349C>T on transcript NM_003068.5 (MANE Select); coding-DNA position 349, C replaced by T.
Protein change: p.Leu117Phe; replaces leucine 117 with phenylalanine.
Molecular consequence: missense variant.
Genome position (GRCh38, 1-based): chr8:48,920,172, G>A on the plus strand (C>T on the coding strand, the complement: SNAI2 is on the minus strand). VCF-style: chr8-48920172-G-A. GRCh37 (hg19) VCF-style: chr8-49832731-G-A.
Other names: c.349C>T (NM_003068.4); short protein forms L117F.
Identifiers: ClinVar variation 1499688 (VCV001499688.9), dbSNP rs1021817915, ClinGen allele CA176682139.
Genomic context (GRCh38, chr8:48,920,172, plus strand): 5'-AGGTCTTATTGCATAAATTGCACTGAAACTTTTCAGCTTCAATGGCATGGGGGTCTGAAA[G>A]CTTGGACTGTAGTCTTTCCTCTTCATCACTAATGGGGCTTTCTGAGCCACTGTGGTCCTT-3'
Protein context (NP_003059.1, residues 107-127): SDEEERLQSK[Leu117Phe]SDPHAIEAEK